The following is an entry in ClinVar:

ClinVar aggregate classification (germline): Uncertain significance. Review status: criteria provided, multiple submitters, no conflicts (2 of 4 stars). 2 submissions from 2 submitters: Uncertain significance (2). Last evaluated 2025-10-23.

Conditions:
Inborn genetic diseases. Identifiers: MedGen C0950123, MeSH D030342.

Submissions (2):

Labcorp Genetics (formerly Invitae), Labcorp
Classification: Uncertain significance. Last evaluated: 2025-10-23. Review status: criteria provided, single submitter. Criteria: Invitae Variant Classification Sherloc (09022015). Collection method: clinical testing. Allele origin: germline.
Comment: This sequence change replaces arginine, which is basic and polar, with leucine, which is neutral and non-polar, at codon 1487 of the DCHS1 protein (p.Arg1487Leu). The frequency data for this variant in the population databases is considered unreliable, as metrics indicate poor data quality at this position in the gnomAD database. This variant has not been reported in the literature in individuals affected with DCHS1-related conditions. ClinVar contains an entry for this variant (Variation ID: 4009707). Invitae Evidence Modeling of protein sequence and biophysical properties (such as structural, functional, and spatial information, amino acid conservation, physicochemical variation, residue mobility, and thermodynamic stability) indicates that this missense variant is not expected to disrupt DCHS1 protein function with a negative predictive value of 80%. In summary, the available evidence is currently insufficient to determine the role of this variant in disease. Therefore, it has been classified as a Variant of Uncertain Significance.

Ambry Genetics
Classification: Uncertain significance for Inborn genetic diseases. Last evaluated: 2025-03-27. Review status: criteria provided, single submitter. Criteria: Ambry Variant Classification Scheme 2023. Collection method: clinical testing. Allele origin: germline.

NM_003737.4(DCHS1):c.4460G>T (p.Arg1487Leu)

Gene: DCHS1 (dachsous cadherin-related 1; minus strand). Cytogenetic location: 11p15.4.
Variant type: single nucleotide variant.
Coding change: c.4460G>T on transcript NM_003737.4 (MANE Select); coding-DNA position 4460, G replaced by T.
Protein change: p.Arg1487Leu; replaces arginine 1487 with leucine.
Molecular consequence: missense variant.
Genome position (GRCh38, 1-based): chr11:6,630,334, C>A on the plus strand (G>T on the coding strand, the complement: DCHS1 is on the minus strand). VCF-style: chr11-6630334-C-A. GRCh37 (hg19) VCF-style: chr11-6651565-C-A.
Other names: short protein forms R1487L.
Identifiers: ClinVar variation 4009707 (VCV004009707.2).